The following is an entry in ClinVar:

NM_000169.3(GLA):c.714T>C (p.Ser238=)

Genes: GLA (galactosidase alpha; minus strand), RPL36A-HNRNPH2 (RPL36A-HNRNPH2 readthrough; plus strand). Cytogenetic location: Xq22.1.
Variant type: single nucleotide variant.
Coding change: c.714T>C on transcript NM_000169.3 (MANE Select); coding-DNA position 714, T replaced by C.
Protein change: p.Ser238=; no amino-acid change (serine 238 retained).
Molecular consequence: synonymous variant. On other transcripts: non-coding transcript variant (3), intron variant (2).
Genome position (GRCh38, 1-based): chrX:101,398,872, A>G on the plus strand (T>C on the coding strand, the complement: GLA is on the minus strand). VCF-style: chrX-101398872-A-G. GRCh37 (hg19) VCF-style: chrX-100653860-A-G.
Other names: c.837T>C, p.Ser279= (NM_001406747.1); c.714T>C, p.Ser238= (NM_001406748.1); c.300+3415A>G (NM_001199973.2); c.177+7050A>G (NM_001199974.2).
Identifiers: ClinVar variation 42460 (VCV000042460.37), dbSNP rs397515872, ClinGen allele CA022002.
Genomic context (GRCh38, chrX:101,398,872, plus strand): 5'-TCCAGCAACATCAACAATTCTCTCCTGGTTAAAAGATGTCCAGTCCAAGATACTCTTTAT[A>G]CTTTTCCAGGAATCATCAATGTCAGCAAAATTTCGCCAGTGATTGCAGTACTGTCGGATT-3'
Protein context (NP_000160.1, residues 228-248): NFADIDDSWK[Ser238=]IKSILDWTSF

ClinVar aggregate classification (germline): Conflicting classifications of pathogenicity. Review status: criteria provided, conflicting classifications (1 of 4 stars). 12 submissions from 12 submitters: Uncertain significance (1); Benign (1); Likely benign (9). 1 of the submissions does not count toward it. Last evaluated 2025-11-25.

Conditions:
GLA-related disorder. Also called: GLA-related condition.
Cardiovascular phenotype. Identifiers: MedGen CN230736.
Cardiomyopathy (CMYO). Also called: Cardiomyopathies. Identifiers: Orphanet 167848, MedGen C0878544, MONDO:0004994, HP:0001638. Inheritance: Various modes of inheritance.
Fabry disease. Also called: ALPHA-GALACTOSIDASE A DEFICIENCY; ANDERSON-FABRY DISEASE; CERAMIDE TRIHEXOSIDASE DEFICIENCY; GLA DEFICIENCY; HEREDITARY DYSTOPIC LIPIDOSIS; Fabry's disease. Identifiers: Orphanet 324, MedGen C0002986, MONDO:0010526, OMIM 301500, HP:0001071. Disease mechanism: Fabry disease is due to inactivating mutations in the X-linked GLA gene resulting in deficiency of the enzyme Alpha Galactosidase-A., loss of function.

Allele frequency attached by ClinVar (database versions not stated): ExAC 0.00001; gnomAD exomes 0.00001 and 0.00002; TOPMed 0.00002; gnomAD 0.00003 and 0.00004.
gnomAD v4.1: 18 of 1,206,302 alleles (0.0015%); highest among the groups gnomAD compares: Admixed American, 0.0066%; 1 homozygote.

Submissions (12):

Labcorp Genetics (formerly Invitae), Labcorp
Classification: Likely benign for Fabry disease. Last evaluated: 2025-11-25. Review status: criteria provided, single submitter. Criteria: Invitae Variant Classification Sherloc (09022015). Collection method: clinical testing. Allele origin: germline.

Women's Health and Genetics/Laboratory Corporation of America, LabCorp
Classification: Likely benign. Last evaluated: 2025-11-24. Review status: criteria provided, single submitter. Criteria: LabCorp Variant Classification Summary - May 2015. Collection method: clinical testing. Allele origin: germline.

Molecular Diagnostic Laboratory for Inherited Cardiovascular Disease, Montreal Heart Institute
Classification: Likely benign. Last evaluated: 2025-04-09. Review status: criteria provided, single submitter. Criteria: ACMG Guidelines, 2015. Collection method: clinical testing. Allele origin: germline. Affected: no.

Blueprint Genetics
Classification: Likely benign. Last evaluated: 2024-11-25. Review status: criteria provided, single submitter. Criteria: ACMG Guidelines, 2015. Collection method: clinical testing. Allele origin: germline.

CHEO Genetics Diagnostic Laboratory, Children's Hospital of Eastern Ontario
Classification: Likely benign for Cardiomyopathy. Last evaluated: 2023-03-15. Review status: criteria provided, single submitter. Criteria: ACMG Guidelines, 2015. Collection method: clinical testing. Allele origin: germline.

Genome-Nilou Lab
Classification: Likely benign for Fabry disease. Last evaluated: 2021-07-15. Review status: criteria provided, single submitter. Criteria: ACMG Guidelines, 2015. Collection method: clinical testing. Allele origin: germline. Affected: no.

Ambry Genetics
Classification: Likely benign for Cardiovascular phenotype. Last evaluated: 2020-03-04. Review status: criteria provided, single submitter. Criteria: Ambry Variant Classification Scheme 2023. Collection method: clinical testing. Allele origin: germline.

Color Diagnostics, LLC DBA Color Health
Classification: Likely benign for Fabry disease. Last evaluated: 2019-06-22. Review status: criteria provided, single submitter. Criteria: ACMG Guidelines, 2015. Collection method: clinical testing. Allele origin: germline.

Eurofins Ntd Llc (ga)
Classification: Uncertain significance. Last evaluated: 2018-09-18. Review status: criteria provided, single submitter. Criteria: EGL ClinVar v180209 classification definitions. Collection method: clinical testing. Allele origin: germline. Observed: 1 variant allele, 1 heterozygote.

Laboratory for Molecular Medicine, Mass General Brigham Personalized Medicine
Classification: Likely benign. Last evaluated: 2016-02-12. Review status: criteria provided, single submitter. Criteria: LMM Criteria. Collection method: clinical testing. Allele origin: germline. Observed: 2 variant alleles.
Comment: p.Ser238Ser in exon 5 of GLA: This variant is not expected to have clinical sign ificance because it does not alter an amino acid residue and is not located with in the splice consensus sequence. It has been identified in 1/87762 of European chromosomes by the Exome Aggregation Consortium (ExAC; dbSNP87762).

GeneDx
Classification: Benign. Last evaluated: 2015-03-03. Review status: criteria provided, single submitter. Criteria: GeneDx Variant Classification Process June 2021. Collection method: clinical testing. Allele origin: germline. Affected: yes.

PreventionGenetics, part of Exact Sciences
Classification: Likely benign for GLA-related condition. Last evaluated: 2019-09-17. Review status: no assertion criteria provided. Collection method: clinical testing. Allele origin: germline. Not counted in ClinVar's aggregate classification.
Comment: This variant is classified as likely benign based on ACMG/AMP sequence variant interpretation guidelines (Richards et al. 2015 PMID: 25741868, with internal and published modifications).